The following is an entry in ClinVar:

NM_014140.4(SMARCAL1):c.2454G>A (p.Val818=)

Gene: SMARCAL1 (SNF2 related chromatin remodeling annealing helicase 1; plus strand). Cytogenetic location: 2q35.
Variant type: single nucleotide variant.
Coding change: c.2454G>A on transcript NM_014140.4 (MANE Select); coding-DNA position 2454, G replaced by A.
Protein change: p.Val818=; no amino-acid change (valine 818 retained).
Molecular consequence: synonymous variant.
Genome position (GRCh38, 1-based): chr2:216,477,135, G>A. VCF-style: chr2-216477135-G-A. GRCh37 (hg19) VCF-style: chr2-217341858-G-A.
Other names: c.2454G>A, p.Val818= (NM_001127207.2); c.2454G>A (NM_014140.3).
Identifiers: ClinVar variation 1115974 (VCV001115974.12), dbSNP rs1325176430, ClinGen allele CA431170075.

ClinVar aggregate classification (germline): Likely benign. Review status: criteria provided, multiple submitters, no conflicts (2 of 4 stars). 3 submissions from 3 submitters: Likely benign (2). 1 of the submissions does not count toward it. Last evaluated 2025-07-03.

Conditions:
Schimke immuno-osseous dysplasia (SIOD). Also called: Schimke Immunoosseous Dysplasia. Identifiers: Orphanet 1830, MedGen C0877024, MONDO:0009458, OMIM 242900.
SMARCAL1-related disorder. Also called: SMARCAL1-related condition.

Allele frequency attached by ClinVar (database versions not stated): gnomAD exomes 0.00001.
gnomAD v4.1: 12 of 1,589,738 alleles (0.00075%); highest among the groups gnomAD compares: Non-Finnish European, 0.001%; no homozygotes.

Submissions (3):

Labcorp Genetics (formerly Invitae), Labcorp
Classification: Likely benign for Schimke immuno-osseous dysplasia. Last evaluated: 2025-07-03. Review status: criteria provided, single submitter. Criteria: Invitae Variant Classification Sherloc (09022015). Collection method: clinical testing. Allele origin: germline.

Fulgent Genetics
Classification: Likely benign for Schimke immuno-osseous dysplasia. Last evaluated: 2021-10-26. Review status: criteria provided, single submitter. Criteria: ACMG Guidelines, 2015. Collection method: clinical testing. Allele origin: unknown.

PreventionGenetics, part of Exact Sciences
Classification: Likely benign for SMARCAL1-related condition. Last evaluated: 2021-06-01. Review status: no assertion criteria provided. Collection method: clinical testing. Allele origin: germline. Not counted in ClinVar's aggregate classification.
Comment: This variant is classified as likely benign based on ACMG/AMP sequence variant interpretation guidelines (Richards et al. 2015 PMID: 25741868, with internal and published modifications).